The following is an entry in ClinVar:

NM_000631.5(NCF4):c.653T>C (p.Ile218Thr)

Gene: NCF4 (neutrophil cytosolic factor 4; plus strand). Cytogenetic location: 22q12.3.
Variant type: single nucleotide variant.
Coding change: c.653T>C on transcript NM_000631.5 (MANE Select); coding-DNA position 653, T replaced by C.
Protein change: p.Ile218Thr; replaces isoleucine 218 with threonine.
Molecular consequence: missense variant.
Genome position (GRCh38, 1-based): chr22:36,875,678, T>C. VCF-style: chr22-36875678-T-C. GRCh37 (hg19) VCF-style: chr22-37271720-T-C.
Other names: c.653T>C, p.Ile218Thr (NM_013416.4); short protein forms I218T.
Identifiers: ClinVar variation 4805749 (VCV004805749.1).
Genomic context (GRCh38, chr22:36,875,678, plus strand): 5'-CTCACCAGCATGGCATCCCTTCTCTTCCTCTGCAGGGCACTGTCCGGGGAGCCACGGGCA[T>C]CTTCCCTCTCTCCTTCGTGAAGATCCTCAAAGACTTCCCTGAGGAGGACGACCCCACCAA-3'
Protein context (NP_000622.2, residues 208-228): LEGTVRGATG[Ile218Thr]FPLSFVKILK

ClinVar aggregate classification (germline): Uncertain significance (1 of 4 stars; one submission).

Conditions:
Granulomatous disease, chronic, autosomal recessive, cytochrome b-positive, type 3. Also called: GRANULOMATOUS DISEASE, CHRONIC, DUE TO NCF4 DEFICIENCY; Granulomatous disease, chronic, autosomal recessive, cytochrome b-positive, type III; GRANULOMATOUS DISEASE, CHRONIC, AUTOSOMAL RECESSIVE, 3; CGD, AUTOSOMAL RECESSIVE CYTOCHROME b-POSITIVE, TYPE III. Identifiers: Orphanet 379, MedGen C3151409, MONDO:0013507, OMIM 613960.

gnomAD v4.1: 4 of 1,612,712 alleles (0.00025%); highest among the groups gnomAD compares: Non-Finnish European, 0.00034%; no homozygotes.

Submission:

Labcorp Genetics (formerly Invitae), Labcorp
Classification: Uncertain significance for Granulomatous disease, chronic, autosomal recessive, cytochrome b-positive, type 3. Last evaluated: 2025-08-04. Review status: criteria provided, single submitter. Criteria: Invitae Variant Classification Sherloc (09022015). Collection method: clinical testing. Allele origin: germline.
Comment: This sequence change replaces isoleucine, which is neutral and non-polar, with threonine, which is neutral and polar, at codon 218 of the NCF4 protein (p.Ile218Thr). This variant is not present in population databases (gnomAD no frequency). This variant has not been reported in the literature in individuals affected with NCF4-related conditions. An algorithm developed to predict the effect of missense changes on protein structure and function (PolyPhen-2) suggests that this variant is likely to be disruptive. In summary, the available evidence is currently insufficient to determine the role of this variant in disease. Therefore, it has been classified as a Variant of Uncertain Significance.